The following is an entry in ClinVar:

NM_000040.3(APOC3):c.116C>A (p.Ala39Asp)

Gene: APOC3 (apolipoprotein C3; plus strand). Cytogenetic location: 11q23.3.
Variant type: single nucleotide variant.
Coding change: c.116C>A on transcript NM_000040.3 (MANE Select); coding-DNA position 116, C replaced by A.
Protein change: p.Ala39Asp; replaces alanine 39 with aspartic acid.
Molecular consequence: missense variant.
Genome position (GRCh38, 1-based): chr11:116,830,833, C>A. VCF-style: chr11-116830833-C-A. GRCh37 (hg19) VCF-style: chr11-116701549-C-A.
Other names: short protein forms A39D.
Identifiers: ClinVar variation 2562106 (VCV002562106.5), dbSNP rs773670132, ClinGen allele CA6289659.
Genomic context (GRCh38, chr11:116,830,833, plus strand): 5'-GAGCTTCAGAGGCCGAGGATGCCTCCCTTCTCAGCTTCATGCAGGGTTACATGAAGCACG[C>A]CACCAAGACCGCCAAGGATGCACTGAGCAGCGTGCAGGAGTCCCAGGTGGCCCAGCAGGC-3'
Protein context (NP_000031.1, residues 29-49): LSFMQGYMKH[Ala39Asp]TKTAKDALSS

ClinVar aggregate classification (germline): Conflicting classifications of pathogenicity. Review status: criteria provided, conflicting classifications (1 of 4 stars). 2 submissions from 2 submitters: Uncertain significance (1); Likely benign (1). Last evaluated 2025-03-31.

Conditions:
Cardiovascular phenotype. Identifiers: MedGen CN230736.

Allele frequency attached by ClinVar (database versions not stated): gnomAD 0.00001; gnomAD exomes 0.00002; ExAC 0.00003; TOPMed 0.00005.

Submissions (2):

Ambry Genetics
Classification: Uncertain significance for Cardiovascular phenotype. Last evaluated: 2025-03-31. Review status: criteria provided, single submitter. Criteria: Ambry Variant Classification Scheme 2023. Collection method: clinical testing. Allele origin: germline.
Comment: The p.A39D variant (also known as c.116C>A), located in coding exon 2 of the APOC3 gene, results from a C to A substitution at nucleotide position 116. The alanine at codon 39 is replaced by aspartic acid, an amino acid with dissimilar properties. This amino acid position is conserved. In addition, this alteration is predicted to be deleterious by in silico analysis. Since supporting evidence is limited at this time, the clinical significance of this alteration remains unclear.

Women's Health and Genetics/Laboratory Corporation of America, LabCorp
Classification: Likely benign. Last evaluated: 2025-01-13. Review status: criteria provided, single submitter. Criteria: LabCorp Variant Classification Summary - May 2015. Collection method: clinical testing. Allele origin: germline.
Comment: Variant summary: APOC3 c.116C>A (p.Ala39Asp) results in a non-conservative amino acid change located in the Apolipoprotein CIII domain (IPR038195) of the encoded protein sequence. Four of five in-silico tools predict a damaging effect of the variant on protein function. The variant allele was found at a frequency of 2.5e-05 in 1613116 control chromosomes. The observed variant frequency is approximately 1.24 fold of the estimated maximal expected allele frequency for a pathogenic variant in APOC3 causing Early Onset Coronary Artery Disease phenotype (2e-05). c.116C>A has been reported in the literature in individuals affected with Hypertriglyceridaemia without strong evidence for causality (Deshotels_2022). These report(s) do not provide unequivocal conclusions about association of the variant with Early Onset Coronary Artery Disease. To our knowledge, no experimental evidence demonstrating an impact on protein function has been reported. The following publication has been ascertained in the context of this evaluation (PMID: 36325899). ClinVar contains an entry for this variant (Variation ID: 2562106). Based on the evidence outlined above, the variant was classified as likely benign.

Literature cited by the submitters: PubMed 36325899 (cited by Women's Health and Genetics/Laboratory Corporation of America, LabCorp).